The following is an entry in ClinVar:

NM_000051.4(ATM):c.8492del (p.Phe2831fs)

Genes: ATM (ATM serine/threonine kinase; plus strand), C11orf65 (chromosome 11 open reading frame 65; minus strand). Cytogenetic location: 11q22.3.
Variant type: Deletion.
Coding change: c.8492del on transcript NM_000051.4 (MANE Select); coding-DNA position 8492, one base deleted (T; older notation c.8492delT).
Protein change: p.Phe2831fs; shifts the reading frame from phenylalanine 2831.
Molecular consequence: frameshift variant. On other transcripts: intron variant (2).
Genome position (GRCh38, 1-based): chr11:108,345,816, T deleted; the last of 4 consecutive T bases (chr11:108,345,813-108,345,816); deleting any one gives the same sequence. VCF-style (leftmost placement, unchanged base first): chr11-108345812-GT-G. GRCh37 (hg19) VCF-style: chr11-108216539-GT-G.
Other names: c.8492del, p.Phe2831fs (NM_001351834.2); c.641-36742del (NM_001330368.2); c.695-10521del (NM_001351110.2); short protein forms F2831fs.
Identifiers: ClinVar variation 3148149 (VCV003148149.1), dbSNP rs2137030434, ClinGen allele CA2725230691.
Genomic context (GRCh38, chr11:108,345,812, plus strand): 5'-AAAAAGTCTTTTGAAGAGAAATATGAAGTCTTCATGGATGTTTGCCAAAATTTTCAACCA[GT>G]TTTCCGTTACTTCTGCATGGAAAAATTCTTGGATCCAGCTATTTGGTTTGAGAAGCGATT-3'

ClinVar aggregate classification (germline): Pathogenic (1 of 4 stars; one submission).

Conditions:
Familial cancer of breast. Also called: hereditary breast carcinoma; BREAST CANCER, FAMILIAL; Hereditary breast cancer. Identifiers: Orphanet 227535, MedGen C0346153, MONDO:0016419, OMIM 114480. Disease mechanism: loss of function.

Submission:

Myriad Genetics, Inc.
Classification: Pathogenic for Familial cancer of breast. Last evaluated: 2024-02-02. Review status: criteria provided, single submitter. Criteria: Myriad Autosomal Dominant, Autosomal Recessive and X-Linked Classification Criteria (2023). Collection method: clinical testing. Allele origin: unknown.
Comment: This variant is considered pathogenic. This variant creates a frameshift predicted to result in premature protein truncation.